The following is an entry in ClinVar:

ClinVar aggregate classification (germline): Benign/Likely benign. Review status: criteria provided, multiple submitters, no conflicts (2 of 4 stars). 8 submissions from 8 submitters: Benign (1); Likely benign (4). 3 of the submissions do not count toward it. Last evaluated 2026-05-01.

Conditions:
FLCN-related disorder. Also called: FLCN-related condition.
Birt-Hogg-Dube syndrome. Also called: Birt Hogg Dubé syndrome. Identifiers: Orphanet 122, MedGen C0346010, MONDO:0800444.

Allele frequency attached by ClinVar (database versions not stated): gnomAD exomes 0.00016 and 0.00047; ExAC 0.00048; gnomAD 0.00139 and 0.00146; ESP Exome Variant Server 0.00154; TOPMed 0.00165; 1000 Genomes Project 30x 0.00297; 1000 Genomes Project 0.00300.
gnomAD v4.1: 456 of 1,613,688 alleles (0.028%); highest among the groups gnomAD compares: African/African-American, 0.51%; 1 homozygote.

Submissions (8):

CeGaT Center for Human Genetics Tuebingen
Classification: Likely benign. Last evaluated: 2026-05-01. Review status: criteria provided, single submitter. Criteria: CeGaT Center For Human Genetics Tuebingen Variant Classification Criteria Version 2. Collection method: clinical testing. Allele origin: germline. Affected: yes. Observed: 1 variant allele.
Comment: FLCN: BP4, BS1

Labcorp Genetics (formerly Invitae), Labcorp
Classification: Benign for Birt-Hogg-Dube syndrome. Last evaluated: 2026-02-03. Review status: criteria provided, single submitter. Criteria: Invitae Variant Classification Sherloc (09022015). Collection method: clinical testing. Allele origin: germline.

Blueprint Genetics
Classification: Likely benign. Last evaluated: 2024-03-16. Review status: criteria provided, single submitter. Criteria: ACMG Guidelines, 2015. Collection method: clinical testing. Allele origin: germline.

GeneDx
Classification: Likely benign. Last evaluated: 2017-12-19. Review status: criteria provided, single submitter. Criteria: GeneDx Variant Classification (06012015). Collection method: clinical testing. Allele origin: germline. Affected: yes.
Comment: This variant is considered likely benign or benign based on one or more of the following criteria: it is a conservative change, it occurs at a poorly conserved position in the protein, it is predicted to be benign by multiple in silico algorithms, and/or has population frequency not consistent with disease.

Breakthrough Genomics
Classification: Likely benign. Review status: criteria provided, single submitter. Criteria: ACMG Guidelines, 2015. Collection method: not provided. Allele origin: germline. Inheritance: Autosomal dominant inheritance. Affected: yes.

PreventionGenetics, part of Exact Sciences
Classification: Benign for FLCN-related condition. Last evaluated: 2019-12-13. Review status: no assertion criteria provided. Collection method: clinical testing. Allele origin: germline. Not counted in ClinVar's aggregate classification.
Comment: This variant is classified as benign based on ACMG/AMP sequence variant interpretation guidelines (Richards et al. 2015 PMID: 25741868, with internal and published modifications).

ITMI
No classification provided. Condition: AllHighlyPenetrant. Last evaluated: 2013-09-19. Review status: no classification provided. Collection method: reference population. Allele origin: germline. Not counted in ClinVar's aggregate classification.
Comment: Please see associated publication for description of ethnicities

Biesecker Lab/Clinical Genomics Section, National Institutes of Health
Classification: Uncertain significance. Last evaluated: 2012-07-13. Review status: no assertion criteria provided. Collection method: research. Allele origin: germline. Affected: no. Observed: 1 variant allele. Study: ClinSeq. Not counted in ClinVar's aggregate classification.
ClinVar note: Converted during submission from variant of unknown significance to Uncertain significance.

Literature cited by the submitters: PubMed 24728327 (cited by ITMI).

NM_144997.7(FLCN):c.871+16T>A

Gene: FLCN (folliculin; minus strand). Cytogenetic location: 17p11.2.
Variant type: single nucleotide variant.
Coding change: c.871+16T>A on transcript NM_144997.7 (MANE Select); 16 bases into the intron after coding-DNA position 871, T replaced by A.
Molecular consequence: intron variant. On other transcripts: missense variant (1).
Genome position (GRCh38, 1-based): chr17:17,221,521, A>T on the plus strand (T>A on the coding strand, the complement: FLCN is on the minus strand). VCF-style: chr17-17221521-A-T. GRCh37 (hg19) VCF-style: chr17-17124835-A-T.
Other names: c.887T>A, p.Leu296Gln (NM_144606.7); c.871+16T>A (NM_001353231.2, NM_001353230.2, LRG_325t1); c.925+16T>A (NM_001353229.2); c.887T>A (NM_144606.5); short protein forms L296Q.
Identifiers: ClinVar variation 41860 (VCV000041860.16), dbSNP rs116643153, ClinGen allele CA159787.